The following is an entry in ClinVar:

NM_005188.4(CBL):c.1393G>T (p.Asp465Tyr)

Gene: CBL (Cbl proto-oncogene; plus strand). Cytogenetic location: 11q23.3.
Variant type: single nucleotide variant.
Coding change: c.1393G>T on transcript NM_005188.4 (MANE Select); coding-DNA position 1393, G replaced by T.
Protein change: p.Asp465Tyr; replaces aspartic acid 465 with tyrosine.
Molecular consequence: missense variant.
Genome position (GRCh38, 1-based): chr11:119,278,675, G>T. VCF-style: chr11-119278675-G-T. GRCh37 (hg19) VCF-style: chr11-119149385-G-T.
Other names: short protein forms D465Y.
Identifiers: ClinVar variation 2567303 (VCV002567303.2), dbSNP rs2135304845, ClinGen allele CA382914689.

ClinVar aggregate classification (germline): Uncertain significance (1 of 4 stars; one submission).

Conditions:
Cardiovascular phenotype. Identifiers: MedGen CN230736.

Submission:

Ambry Genetics
Classification: Uncertain significance for Cardiovascular phenotype. Last evaluated: 2023-05-19. Review status: criteria provided, single submitter. Criteria: Ambry Variant Classification Scheme 2023. Collection method: clinical testing. Allele origin: germline.
Comment: The p.D465Y variant (also known as c.1393G>T), located in coding exon 9 of the CBL gene, results from a G to T substitution at nucleotide position 1393. The aspartic acid at codon 465 is replaced by tyrosine, an amino acid with highly dissimilar properties. This amino acid position is conserved. In addition, this alteration is predicted to be deleterious by in silico analysis. Since supporting evidence is limited at this time, the clinical significance of this alteration remains unclear.